The following is an entry in ClinVar:

ClinVar aggregate classification (germline): Uncertain significance (1 of 4 stars; one submission).

Conditions:
Emery-Dreifuss muscular dystrophy 5, autosomal dominant (EDMD5). Also called: EMERY-DREIFUSS MUSCULAR DYSTROPHY 5. Identifiers: Orphanet 261, MedGen C2751805, MONDO:0013072, OMIM 612999.

gnomAD v4.1: 17 of 1,613,912 alleles (0.0011%); highest among the groups gnomAD compares: Admixed American, 0.013%; no homozygotes.

Submission:

Labcorp Genetics (formerly Invitae), Labcorp
Classification: Uncertain significance for Emery-Dreifuss muscular dystrophy 5, autosomal dominant. Last evaluated: 2024-08-27. Review status: criteria provided, single submitter. Criteria: Invitae Variant Classification Sherloc (09022015). Collection method: clinical testing. Allele origin: germline.
Comment: This sequence change replaces glutamine, which is neutral and polar, with lysine, which is basic and polar, at codon 5657 of the SYNE2 protein (p.Gln5657Lys). This variant is present in population databases (rs759225967, gnomAD 0.02%). This variant has not been reported in the literature in individuals affected with SYNE2-related conditions. An algorithm developed to predict the effect of missense changes on protein structure and function (PolyPhen-2) suggests that this variant is likely to be tolerated. In summary, the available evidence is currently insufficient to determine the role of this variant in disease. Therefore, it has been classified as a Variant of Uncertain Significance.

NM_182914.3(SYNE2):c.16969C>A (p.Gln5657Lys)

Gene: SYNE2 (spectrin repeat containing nuclear envelope protein 2; plus strand). Cytogenetic location: 14q23.2.
Variant type: single nucleotide variant.
Coding change: c.16969C>A on transcript NM_182914.3 (MANE Select); coding-DNA position 16969, C replaced by A.
Protein change: p.Gln5657Lys; replaces glutamine 5657 with lysine.
Molecular consequence: missense variant.
Genome position (GRCh38, 1-based): chr14:64,168,940, C>A. VCF-style: chr14-64168940-C-A. GRCh37 (hg19) VCF-style: chr14-64635658-C-A.
Other names: c.16969C>A, p.Gln5657Lys (NM_015180.6); short protein forms Q5657K.
Identifiers: ClinVar variation 3709852 (VCV003709852.2).